The following is an entry in ClinVar:

NM_000144.5(FXN):c.467T>C (p.Leu156Pro)

Gene: FXN (frataxin; plus strand). Cytogenetic location: 9q21.11.
Variant type: single nucleotide variant.
Coding change: c.467T>C on transcript NM_000144.5 (MANE Select); coding-DNA position 467, T replaced by C.
Protein change: p.Leu156Pro; replaces leucine 156 with proline.
Molecular consequence: missense variant.
Genome position (GRCh38, 1-based): chr9:69,065,020, T>C. VCF-style: chr9-69065020-T-C. GRCh37 (hg19) VCF-style: chr9-71679936-T-C.
Other names: c.467T>C, p.Leu156Pro (NM_181425.3); short protein forms L156P.
Identifiers: ClinVar variation 1256271 (VCV001256271.3), dbSNP rs143340609, ClinGen allele CA5072757.

ClinVar aggregate classification (germline): Conflicting classifications of pathogenicity. Review status: criteria provided, conflicting classifications (1 of 4 stars). 2 submissions from 2 submitters: Pathogenic (1); Uncertain significance (1). Last evaluated 2025-06-10.

Allele frequency attached by ClinVar (database versions not stated): TOPMed 0.00001; gnomAD 0.00006; gnomAD exomes 0.00010; ExAC 0.00017.
gnomAD v4.1: 68 of 1,613,362 alleles (0.0042%); highest among the groups gnomAD compares: Non-Finnish European, 0.0025%; no homozygotes.

Submissions (2):

Women's Health and Genetics/Laboratory Corporation of America, LabCorp
Classification: Uncertain significance. Last evaluated: 2025-06-10. Review status: criteria provided, single submitter. Criteria: LabCorp Variant Classification Summary - May 2015. Collection method: clinical testing. Allele origin: germline.
Comment: Variant summary: FXN c.467T>C (p.Leu156Pro) results in a non-conservative amino acid change in the encoded protein sequence. Algorithms developed to predict the effect of missense changes on protein structure and function all suggest that this variant is likely to be disruptive. The variant allele was found at a frequency of 0.0001 in 251462 control chromosomes. This frequency is not significantly higher than estimated for a pathogenic variant in FXN causing Friedreich Ataxia (0.0001 vs 0.0011), allowing no conclusion about variant significance. c.467T>C has been observed in an individual affected with Friedreich Ataxia (Cossee_1999). These report(s) do not provide unequivocal conclusions about association of the variant with Friedreich Ataxia. To our knowledge, no experimental evidence demonstrating an impact on protein function has been reported. The following publication have been ascertained in the context of this evaluation (PMID: 9989622). ClinVar contains an entry for this variant (Variation ID: 1256271). Based on the evidence outlined above, the variant was classified as uncertain significance.

Athena Diagnostics
Classification: Pathogenic. Last evaluated: 2023-12-13. Review status: criteria provided, single submitter. Criteria: Athena Diagnostics Criteria. Collection method: clinical testing. Allele origin: unknown.
Comment: The frequency of this variant in the general population is consistent with pathogenicity. Assessment of experimental evidence suggests this variant results in abnormal protein function. (PMID: 17331979). In multiple individuals, this variant has been seen with a single recessive pathogenic variant in the same gene, suggesting this variant may also be pathogenic.

Literature cited by the submitters: PubMed 9989622 (cited by Women's Health and Genetics/Laboratory Corporation of America, LabCorp and Athena Diagnostics); PubMed 26704351 (cited by Athena Diagnostics); PubMed 26338206 (cited by Athena Diagnostics); PubMed 17331979 (cited by Athena Diagnostics).